The following is an entry in ClinVar:

NM_001303052.2(MYT1L):c.542T>G (p.Met181Arg)

Gene: MYT1L (myelin transcription factor 1 like; minus strand). Cytogenetic location: 2p25.3.
Variant type: single nucleotide variant.
Coding change: c.542T>G on transcript NM_001303052.2 (MANE Select); coding-DNA position 542, T replaced by G.
Protein change: p.Met181Arg; replaces methionine 181 with arginine.
Molecular consequence: missense variant.
Genome position (GRCh38, 1-based): chr2:1,923,227, A>C on the plus strand (T>G on the coding strand, the complement: MYT1L is on the minus strand). VCF-style: chr2-1923227-A-C. GRCh37 (hg19) VCF-style: chr2-1926999-A-C.
Other names: c.542T>G (NM_001303052.1); c.542T>G, p.Met181Arg (NM_001329844.2, NM_001329845.1, NM_001329846.3 and 6 more transcripts); short protein forms M181R.
Identifiers: ClinVar variation 4625706 (VCV004625706.2).

ClinVar aggregate classification (germline): Uncertain significance. Review status: criteria provided, multiple submitters, no conflicts (2 of 4 stars). 2 submissions from 2 submitters: Uncertain significance (2). Last evaluated 2025-10-27.

Conditions:
MYT1L-related disorder. Also called: MYT1L-related condition.
Inborn genetic diseases. Identifiers: MedGen C0950123, MeSH D030342.

Submissions (2):

PreventionGenetics, part of Exact Sciences
Classification: Uncertain significance for MYT1L-related condition. Last evaluated: 2025-10-27. Review status: criteria provided, single submitter. Criteria: ACMG Guidelines, 2015. Collection method: clinical testing. Allele origin: germline.
Comment: The MYT1L c.542T>G variant is predicted to result in the amino acid substitution p.Met181Arg. To our knowledge, this variant has not been reported in the literature. This variant is reported in 0.00095% of alleles in individuals of European (Non-Finnish) descent in gnomAD. At this time, the clinical significance of this variant is uncertain due to the absence of conclusive functional and genetic evidence.

Ambry Genetics
Classification: Uncertain significance for Inborn genetic diseases. Last evaluated: 2025-10-21. Review status: criteria provided, single submitter. Criteria: Ambry Variant Classification Scheme 2023. Collection method: clinical testing. Allele origin: germline.
Comment: The c.542T>G (p.M181R) alteration is located in exon 10 (coding exon 5) of the MYT1L gene. This alteration results from a T to G substitution at nucleotide position 542, causing the methionine (M) at amino acid position 181 to be replaced by an arginine (R). Based on data from gnomAD, the G allele has an overall frequency of <0.001% (1/235586) total alleles studied. The highest observed frequency was 0.001% (1/105324) of European (non-Finnish) alleles. Based on insufficient or conflicting evidence, the clinical significance of this alteration remains unclear.